The following is an entry in ClinVar:

NM_001099922.3(ALG13):c.150C>T (p.Pro50=)

Gene: ALG13 (ALG13 UDP-N-acetylglucosaminyltransferase subunit; plus strand). Cytogenetic location: Xq23.
Variant type: single nucleotide variant.
Coding change: c.150C>T on transcript NM_001099922.3 (MANE Select); coding-DNA position 150, C replaced by T.
Protein change: p.Pro50=; no amino-acid change (proline 50 retained).
Molecular consequence: synonymous variant. On other transcripts: 5 prime UTR variant (6), non-coding transcript variant (1), intron variant (5).
Genome position (GRCh38, 1-based): chrX:111,682,200, C>T. VCF-style: chrX-111682200-C-T. GRCh37 (hg19) VCF-style: chrX-110925428-C-T.
Other names: c.150C>T, p.Pro50= (NM_001039210.5, NM_001168385.3, NM_001324290.2 and 2 more transcripts); c.-26C>T (NM_001257231.2, NM_001257241.3); c.-163C>T (NM_001257237.2, NM_001257239.3, NM_001257240.3 and 1 more transcripts); c.-127-36C>T (NM_001257234.2, NM_001257230.2, NM_001257235.3 and 2 more transcripts).
Identifiers: ClinVar variation 383976 (VCV000383976.31), dbSNP rs147897682, ClinGen allele CA10493454.

ClinVar aggregate classification (germline): Benign/Likely benign. Review status: criteria provided, multiple submitters, no conflicts (2 of 4 stars). 7 submissions from 7 submitters: Benign (2); Likely benign (5). Last evaluated 2025-12-01.

Conditions:
Developmental and epileptic encephalopathy, 36 (DEE36). Also called: Epileptic encephalopathy, early infantile, 36; Congenital disorder of glycosylation, type Is; ALG13-CDG. Identifiers: Orphanet 324422, MedGen C4317295, MONDO:0010472, OMIM 300884.
ALG13-related disorder. Also called: ALG13-related condition.

Allele frequency attached by ClinVar (database versions not stated): 1000 Genomes Project 30x 0.00042; 1000 Genomes Project 0.00053; gnomAD 0.00090 and 0.00102; ESP Exome Variant Server 0.00114; TOPMed 0.00119; gnomAD exomes 0.00008 and 0.00026; ExAC 0.00038.
gnomAD v4.1: 200 of 1,201,205 alleles (0.017%); highest among the groups gnomAD compares: African/African-American, 0.29%; no homozygotes.

Submissions (7):

Labcorp Genetics (formerly Invitae), Labcorp
Classification: Benign for Developmental and epileptic encephalopathy, 36. Last evaluated: 2025-12-01. Review status: criteria provided, single submitter. Criteria: Invitae Variant Classification Sherloc (09022015). Collection method: clinical testing. Allele origin: germline.

PreventionGenetics, part of Exact Sciences
Classification: Likely benign for ALG13-related condition. Last evaluated: 2025-02-26. Review status: criteria provided, single submitter. Criteria: ACMG Guidelines, 2015. Collection method: clinical testing. Allele origin: germline.
Comment: This variant is classified as likely benign based on ACMG/AMP sequence variant interpretation guidelines (Richards et al. 2015 PMID: 25741868, with internal and published modifications).

CeGaT Center for Human Genetics Tuebingen
Classification: Likely benign. Last evaluated: 2024-11-01. Review status: criteria provided, single submitter. Criteria: CeGaT Center For Human Genetics Tuebingen Variant Classification Criteria Version 2. Collection method: clinical testing. Allele origin: germline. Affected: yes. Observed: 1 variant allele.
Comment: ALG13: BP4, BP7, BS2

Blueprint Genetics
Classification: Likely benign. Last evaluated: 2023-12-14. Review status: criteria provided, single submitter. Criteria: ACMG Guidelines, 2015. Collection method: clinical testing. Allele origin: germline.

Genome-Nilou Lab
Classification: Benign for Developmental and epileptic encephalopathy, 36. Last evaluated: 2021-12-05. Review status: criteria provided, single submitter. Criteria: ACMG Guidelines, 2015. Collection method: clinical testing. Allele origin: germline. Affected: no.

Fulgent Genetics
Classification: Likely benign for Developmental and epileptic encephalopathy, 36. Last evaluated: 2021-10-25. Review status: criteria provided, single submitter. Criteria: ACMG Guidelines, 2015. Collection method: clinical testing. Allele origin: unknown.

GeneDx
Classification: Likely benign. Last evaluated: 2021-01-14. Review status: criteria provided, single submitter. Criteria: GeneDx Variant Classification Process June 2021. Collection method: clinical testing. Allele origin: germline. Affected: yes.